The following is an entry in ClinVar:

NM_000254.3(MTR):c.-67C>T

Gene: MTR (5-methyltetrahydrofolate-homocysteine methyltransferase; plus strand). Cytogenetic location: 1q43.
Variant type: single nucleotide variant.
Coding change: c.-67C>T on transcript NM_000254.3 (MANE Select); 67 bases upstream of the start codon, C replaced by T.
Molecular consequence: 5 prime UTR variant.
Genome position (GRCh38, 1-based): chr1:236,795,637, C>T. VCF-style: chr1-236795637-C-T. GRCh37 (hg19) VCF-style: chr1-236958937-C-T.
Other names: c.-67C>T (NM_001291939.1); c.-1175C>T (NM_001291940.2).
Identifiers: ClinVar variation 296545 (VCV000296545.8), dbSNP rs3738547, ClinGen allele CA1473572.

ClinVar aggregate classification (germline): Benign. Review status: criteria provided, multiple submitters, no conflicts (2 of 4 stars). 3 submissions from 3 submitters: Benign (3). Last evaluated 2019-11-03.

Conditions:
Disorders of Intracellular Cobalamin Metabolism. Identifiers: MedGen CN043592.

Allele frequency attached by ClinVar (database versions not stated): gnomAD exomes 0.02228 and 0.03154; ESP Exome Variant Server 0.02716; gnomAD 0.02790 and 0.03002; TOPMed 0.03086; ExAC 0.03801; 1000 Genomes Project 30x 0.04950; 1000 Genomes Project 0.05152.

Submissions (3):

GeneDx
Classification: Benign. Last evaluated: 2019-11-03. Review status: criteria provided, single submitter. Criteria: GeneDx Variant Classification Process June 2021. Collection method: clinical testing. Allele origin: germline. Affected: yes.

Illumina Laboratory Services, Illumina
Classification: Benign for Disorders of Intracellular Cobalamin Metabolism. Last evaluated: 2018-01-12. Review status: criteria provided, single submitter. Criteria: ICSL Variant Classification Criteria 13 December 2019. Collection method: clinical testing. Allele origin: germline.
Comment: This variant was observed in the ICSL laboratory as part of a predisposition screen in an ostensibly healthy population. It had not been previously curated by ICSL or reported in the Human Gene Mutation Database (HGMD: prior to June 1st, 2018), and was therefore a candidate for classification through an automated scoring system. Utilizing variant allele frequency, disease prevalence and penetrance estimates, and inheritance mode, an automated score was calculated to assess if this variant is too frequent to cause the disease. Based on the score and internal cut-off values, a variant classified as benign is not then subjected to further curation. The score for this variant resulted in a classification of benign for this disease.

Breakthrough Genomics
Classification: Benign. Review status: criteria provided, single submitter. Criteria: ACMG Guidelines, 2015. Collection method: not provided. Allele origin: germline. Inheritance: Autosomal recessive inheritance. Affected: yes.